The following is an entry in ClinVar:

ClinVar aggregate classification (germline): Conflicting classifications of pathogenicity. Review status: no assertion criteria provided (0 of 4 stars). 2 submissions from 2 submitters: Uncertain significance (1); Likely benign (1). Last evaluated 2020-04-16.

Conditions:
Autosomal recessive osteopetrosis 1. Also called: ALBERS-SCHONBERG DISEASE, AUTOSOMAL RECESSIVE; TCIRG1-Related Osteopetrosis; TCIRG1-Related Autosomal Recessive Osteopetrosis. Identifiers: Orphanet 667, MedGen C1850127, MONDO:0009815, OMIM 259700.
TCIRG1-related disorder. Also called: TCIRG1-related condition.

Allele frequency attached by ClinVar (database versions not stated): TOPMed 0.00037.
gnomAD v4.1: 65 of 1,078,372 alleles (0.006%); highest among the groups gnomAD compares: African/African-American, 0.076%; no homozygotes.

Submissions (2):

Natera, Inc.
Classification: Uncertain significance for Infantile malignant osteopetrosis. Last evaluated: 2020-04-16. Review status: no assertion criteria provided. Collection method: clinical testing. Allele origin: germline.

PreventionGenetics, part of Exact Sciences
Classification: Likely benign for TCIRG1-related condition. Last evaluated: 2019-09-23. Review status: no assertion criteria provided. Collection method: clinical testing. Allele origin: germline.
Comment: This variant is classified as likely benign based on ACMG/AMP sequence variant interpretation guidelines (Richards et al. 2015 PMID: 25741868, with internal and published modifications).

NM_006019.4(TCIRG1):c.1887+130C>T

Gene: TCIRG1 (T cell immune regulator 1, ATPase H+ transporting V0 subunit a3; plus strand). Cytogenetic location: 11q13.2.
Variant type: single nucleotide variant.
Coding change: c.1887+130C>T on transcript NM_006019.4 (MANE Select); 130 bases into the intron after coding-DNA position 1887, C replaced by T.
Molecular consequence: intron variant.
Genome position (GRCh38, 1-based): chr11:68,049,424, C>T. VCF-style: chr11-68049424-C-T. GRCh37 (hg19) VCF-style: chr11-67816891-C-T.
Other names: c.1887+130C>T (NM_006019.3); c.993+130C>T (NM_001351059.2); c.1239+130C>T (NM_006053.4).
Identifiers: ClinVar variation 991507 (VCV000991507.3), dbSNP rs928213157, ClinGen allele CA224210000.
Genomic context (GRCh38, chr11:68,049,424, plus strand): 5'-GAGCTGCAAGATCCTCGTCCGAGAAACGGGGATGCAGGCCCCGGGCCGTGCAGACAGGGC[C>T]GTCAGAGGTGATGGTGTGCATCTTTAGCAGGTGGCACAACTGGCACTGGGAACCGGGGGT-3'